The following is an entry in ClinVar:

ClinVar aggregate classification (germline): Pathogenic (1 of 4 stars; one submission).

Conditions:
Familial cancer of breast. Also called: Hereditary breast cancer; hereditary breast carcinoma; BREAST CANCER, FAMILIAL. Identifiers: Orphanet 227535, MedGen C0346153, MONDO:0016419, OMIM 114480. Disease mechanism: loss of function.

Submission:

Labcorp Genetics (formerly Invitae), Labcorp
Classification: Pathogenic for Familial cancer of breast. Last evaluated: 2017-05-05. Review status: criteria provided, single submitter. Criteria: Invitae Variant Classification Sherloc (09022015). Collection method: clinical testing. Allele origin: germline.
Comment: For these reasons, this variant has been classified as Pathogenic. Retrotransposon insertions including LINE1 (L1), Alu, and SVA (SINE-VNTR-Alu) have been reported to be disease-causing through disruption of either a coding region or splice site (PMID: 19763152, 20307669, 22406018). Although this variant has not been reported in the literature, loss-of-function variants in PALB2 are known to be pathogenic (PMID: 25099575, 17200668). This sequence change inserts SVA retrotransposon in exon 10 of the PALB2 mRNA (c.3083_3084insSVA), causing a frameshift at codon 1028 (p.Gly1028fs). The exact size and sequence of the insertion cannot be determined by the current assay. However, the insertion is expected to result in an absent or disrupted protein product.

Literature cited by the submitters: PubMed 19763152; PubMed 20307669; PubMed 22406018; PubMed 25099575; PubMed 17200668.

NM_024675.4(PALB2):c.3083_3084insGCTCTGCTTGGGTGCCGGCGAGCGCCGCCTGGGAGGCAGCGGCTGGAGGAGCGGACGGGCCCCGCGGGGCCCGAGGGCAAGGAGCAGCCGCCTGNNNNNNNNNNNNNNAAAAAAAAAAAAAAAAAAAAAAAA (p.Gly1028_Thr1029insLeuCysLeuGlyAlaGlyGluArgArgLeuGlyGlySerGlyTrpArgSerGlyArgAlaProArgGlyProArgAlaArgSerSerArgLeuXaaXaaXaaXaaXaaLysLysLysLysLysLysLysAsn)

Gene: PALB2 (partner and localizer of BRCA2; minus strand). Cytogenetic location: 16p12.2.
Variant type: Insertion.
Coding change: c.3083_3084insGCTCTGCTTGGGTGCCGGCGAGCGCCGCCTGGGAGGCAGCGGCTGGAGGAGCGGACGGGCCCCGCGGGGCCCGAGGGCAAGGAGCAGCCGCCTGNNNNNNNNNNNNNNAAAAAAAAAAAAAAAAAAAAAAAA on transcript NM_024675.4 (MANE Select); coding-DNA positions 3083 to 3084, GCTCTGCTTGGGTGCCGGCGAGCGCCGCCTGGGAGGCAGCGGCTGGAGGAGCGGACGGGCCCCGCGGGGCCCGAGGGCAAGGAGCAGCCGCCTGNNNNNNNNNNNNNNAAAAAAAAAAAAAAAAAAAAAAAA inserted.
Protein change: p.Gly1028_Thr1029insLeuCysLeuGlyAlaGlyGluArgArgLeuGlyGlySerGlyTrpArgSerGlyArgAlaProArgGlyProArgAlaArgSerSerArgLeuXaaXaaXaaXaaXaaLysLysLysLysLysLysLysAsn.
Molecular consequence: inframe insertion.
Genome position: GRCh38: chr16:23,621,391-23,621,392. GRCh37 (hg19): chr16:23,632,712-23,632,713.
Identifiers: ClinVar variation 1071545 (VCV001071545.10), dbSNP rs2142326522.